The following is an entry in ClinVar:

ClinVar aggregate classification (germline): Uncertain significance (1 of 4 stars; one submission).

gnomAD v4.1: 1 of 1,613,684 alleles (0.000062%); highest among the groups gnomAD compares: Non-Finnish European, 0.000085%; no homozygotes.

Submission:

Labcorp Genetics (formerly Invitae), Labcorp
Classification: Uncertain significance. Last evaluated: 2021-06-16. Review status: criteria provided, single submitter. Criteria: Invitae Variant Classification Sherloc (09022015). Collection method: clinical testing. Allele origin: germline.
Comment: This variant has not been reported in the literature in individuals with CFH-related conditions. Algorithms developed to predict the effect of missense changes on protein structure and function are either unavailable or do not agree on the potential impact of this missense change (SIFT: "Deleterious"; PolyPhen-2: "Probably Damaging"; Align-GVGD: "Class C0"). In summary, the available evidence is currently insufficient to determine the role of this variant in disease. Therefore, it has been classified as a Variant of Uncertain Significance. This variant is not present in population databases (ExAC no frequency). This sequence change replaces glycine with alanine at codon 712 of the CFH protein (p.Gly712Ala). The glycine residue is highly conserved and there is a small physicochemical difference between glycine and alanine.

NM_000186.4(CFH):c.2135G>C (p.Gly712Ala)

Gene: CFH (complement factor H; plus strand). Cytogenetic location: 1q31.3.
Variant type: single nucleotide variant.
Coding change: c.2135G>C on transcript NM_000186.4 (MANE Select); coding-DNA position 2135, G replaced by C.
Protein change: p.Gly712Ala; replaces glycine 712 with alanine.
Molecular consequence: missense variant.
Genome position (GRCh38, 1-based): chr1:196,726,839, G>C. VCF-style: chr1-196726839-G-C. GRCh37 (hg19) VCF-style: chr1-196695969-G-C.
Other names: short protein forms G712A.
Identifiers: ClinVar variation 1361547 (VCV001361547.8), dbSNP rs2149108645, ClinGen allele CA343989440.